The following is an entry in ClinVar:

NM_000327.3(ROM1):c.-494G>A

Gene: ROM1 (retinal outer segment membrane protein 1; plus strand). Cytogenetic location: 11q12.3.
Variant type: single nucleotide variant.
Coding change: c.-494G>A on transcript NM_000327.3; 494 bases upstream of the start codon, G replaced by A.
Genome position (GRCh38, 1-based): chr11:62,612,788, G>A. VCF-style: chr11-62612788-G-A. GRCh37 (hg19) VCF-style: chr11-62380260-G-A.
Identifiers: ClinVar variation 305152 (VCV000305152.7), dbSNP rs3825019, ClinGen allele CA10635136.

ClinVar aggregate classification (germline): Likely benign (1 of 4 stars; one submission).

Conditions:
Retinitis pigmentosa (RP). Identifiers: Orphanet 791, MedGen C0035334, MeSH D012174, MONDO:0019200, OMIM 268000. Inheritance: Autosomal dominant, autosomal recessive and X linked inheritance.

Allele frequency attached by ClinVar (database versions not stated): 1000 Genomes Project 0.00160; TOPMed 0.00291; 1000 Genomes Project 30x 0.00640.

Submission:

Illumina Laboratory Services, Illumina
Classification: Likely benign for Retinitis pigmentosa. Last evaluated: 2018-01-13. Review status: criteria provided, single submitter. Criteria: ICSL Variant Classification Criteria 13 December 2019. Collection method: clinical testing. Allele origin: germline.
Comment: This variant was observed in the ICSL laboratory as part of a predisposition screen in an ostensibly healthy population. It had not been previously curated by ICSL or reported in the Human Gene Mutation Database (HGMD: prior to June 1st, 2018), and was therefore a candidate for classification through an automated scoring system. Utilizing variant allele frequency, disease prevalence and penetrance estimates, and inheritance mode, an automated score was calculated to assess if this variant is too frequent to cause the disease. Based on the score and internal cut-off values, a variant classified as likely benign is not then subjected to further curation. The score for this variant resulted in a classification of likely benign for this disease.